The following is an entry in ClinVar:

NM_001276345.2(TNNT2):c.469G>A (p.Glu157Lys)

Gene: TNNT2 (troponin T2, cardiac type; minus strand). Cytogenetic location: 1q32.1.
Variant type: single nucleotide variant.
Coding change: c.469G>A on transcript NM_001276345.2 (MANE Select); coding-DNA position 469, G replaced by A.
Protein change: p.Glu157Lys; replaces glutamic acid 157 with lysine.
Molecular consequence: missense variant.
Genome position (GRCh38, 1-based): chr1:201,364,318, C>T on the plus strand (G>A on the coding strand, the complement: TNNT2 is on the minus strand). VCF-style: chr1-201364318-C-T. GRCh37 (hg19) VCF-style: chr1-201333446-C-T.
Other names: c.469G>A, p.Glu157Lys (NM_000364.4, NM_001406723.1); c.439G>A, p.Glu147Lys (NM_001001430.3, NM_001001431.3, NM_001276347.2 and 3 more transcripts); c.424G>A, p.Glu142Lys (NM_001001432.3, NM_001406728.1); c.349G>A, p.Glu117Lys (NM_001276346.2); c.436G>A, p.Glu146Lys (NM_001406725.1); short protein forms E146K, E157K, E117K, E142K, E147K.
Identifiers: ClinVar variation 3459425 (VCV003459425.1).

ClinVar aggregate classification (germline): Uncertain significance (1 of 4 stars; one submission).

Conditions:
Cardiovascular phenotype. Identifiers: MedGen CN230736.

gnomAD v4.1: 1 of 1,613,110 alleles (0.000062%); highest among the groups gnomAD compares: South Asian, 0.0011%; no homozygotes.

Submission:

Ambry Genetics
Classification: Uncertain significance for Cardiovascular phenotype. Last evaluated: 2024-08-19. Review status: criteria provided, single submitter. Criteria: Ambry Variant Classification Scheme 2023. Collection method: clinical testing. Allele origin: germline.
Comment: The p.E147K variant (also known as c.439G>A), located in coding exon 9 of the TNNT2 gene, results from a G to A substitution at nucleotide position 439. The glutamic acid at codon 147 is replaced by lysine, an amino acid with similar properties. This amino acid position is highly conserved in available vertebrate species. In addition, this alteration is predicted to be deleterious by in silico analysis. Based on the available evidence, the clinical significance of this variant remains unclear.